The following is an entry in ClinVar:

ClinVar aggregate classification (germline): Uncertain significance (1 of 4 stars; one submission).

Conditions:
Idiopathic generalized epilepsy. Also called: EIG; Generalised epilepsy. Identifiers: MedGen C0270850, MONDO:0005579, OMIM 600669.

Allele frequency attached by ClinVar (database versions not stated): gnomAD exomes below 0.00001; TOPMed below 0.00001; gnomAD 0.00001.
gnomAD v4.1: 4 of 1,550,826 alleles (0.00026%); highest among the groups gnomAD compares: Non-Finnish European, 0.00035%; no homozygotes.

Submission:

Labcorp Genetics (formerly Invitae), Labcorp
Classification: Uncertain significance for Idiopathic generalized epilepsy. Last evaluated: 2022-12-23. Review status: criteria provided, single submitter. Criteria: Invitae Variant Classification Sherloc (09022015). Collection method: clinical testing. Allele origin: germline.
Comment: This variant is not present in population databases (gnomAD no frequency). In summary, the available evidence is currently insufficient to determine the role of this variant in disease. Therefore, it has been classified as a Variant of Uncertain Significance. Variants that disrupt the consensus splice site are a relatively common cause of aberrant splicing (PMID: 17576681, 9536098). Algorithms developed to predict the effect of sequence changes on RNA splicing suggest that this variant is not likely to affect RNA splicing. This variant has not been reported in the literature in individuals affected with RBFOX3-related conditions. This sequence change falls in intron 9 of the RBFOX3 gene. It does not directly change the encoded amino acid sequence of the RBFOX3 protein. It affects a nucleotide within the consensus splice site.

Literature cited by the submitters: PubMed 17576681; PubMed 9536098.

NM_001350451.2(RBFOX3):c.568+5G>C

Gene: RBFOX3 (RNA binding fox-1 homolog 3; minus strand). Cytogenetic location: 17q25.3.
Variant type: single nucleotide variant.
Coding change: c.568+5G>C on transcript NM_001350451.2 (MANE Select); 5 bases into the intron after coding-DNA position 568, G replaced by C.
Molecular consequence: intron variant.
Genome position (GRCh38, 1-based): chr17:79,101,579, C>G on the plus strand (G>C on the coding strand, the complement: RBFOX3 is on the minus strand). VCF-style: chr17-79101579-C-G. GRCh37 (hg19) VCF-style: chr17-77097661-C-G.
Other names: c.568+5G>C (NM_001385807.1, NM_001385838.1, NM_001385842.1 and 34 more transcripts); c.565+5G>C (NM_001385846.1, NM_001385822.1, NM_001385845.1 and 4 more transcripts); c.475+5G>C (NM_001385824.1); c.421+5G>C (NM_001385847.1).
Identifiers: ClinVar variation 2784098 (VCV002784098.3), dbSNP rs1389594306, ClinGen allele CA627684302.
Genomic context (GRCh38, chr17:79,101,579, plus strand): 5'-CTCCCCCAGGGCCTCTGTCCCAGCCAGTGACCCCAGCAGCCTTGTGGGGGGACCCAGCCC[C>G]TTACCGTTGGTGTAGGGGTTCCCCGTCTTCTTGTTGGTCATCACTCGGGCCGTGGCATTA-3'